The following is an entry in ClinVar:

ClinVar aggregate classification (germline): Benign (1 of 4 stars; one submission).

Allele frequency attached by ClinVar (database versions not stated): ESP Exome Variant Server 0.00077; gnomAD 0.00086; ExAC 0.00101.
gnomAD v4.1: 1,292 of 1,613,638 alleles (0.08%); highest among the groups gnomAD compares: Admixed American, 0.19%; 3 homozygotes.

Submission:

CeGaT Center for Human Genetics Tuebingen
Classification: Benign. Last evaluated: 2025-09-01. Review status: criteria provided, single submitter. Criteria: CeGaT Center For Human Genetics Tuebingen Variant Classification Criteria Version 2. Collection method: clinical testing. Allele origin: germline. Affected: yes. Observed: 2 variant alleles.
Comment: SP6: BS1, BS2

NM_001258248.2(SP6):c.1009G>C (p.Glu337Gln)

Gene: SP6 (Sp6 transcription factor; minus strand). Cytogenetic location: 17q21.32.
Variant type: single nucleotide variant.
Coding change: c.1009G>C on transcript NM_001258248.2 (MANE Select); coding-DNA position 1009, G replaced by C.
Protein change: p.Glu337Gln; replaces glutamic acid 337 with glutamine.
Molecular consequence: missense variant.
Genome position (GRCh38, 1-based): chr17:47,847,421, C>G on the plus strand (G>C on the coding strand, the complement: SP6 is on the minus strand). VCF-style: chr17-47847421-C-G. GRCh37 (hg19) VCF-style: chr17-45924787-C-G.
Other names: c.1009G>C, p.Glu337Gln (NM_199262.3); short protein forms E337Q.
Identifiers: ClinVar variation 3024607 (VCV003024607.22), dbSNP rs145280290, ClinGen allele CA8628466.